The following is an entry in ClinVar:

ClinVar aggregate classification (germline): Conflicting classifications of pathogenicity. Review status: criteria provided, conflicting classifications (1 of 4 stars). 10 submissions from 10 submitters: Uncertain significance (6); Likely benign (4). Last evaluated 2025-12-28.

Conditions:
Cardiovascular phenotype. Identifiers: MedGen CN230736.
ANK2-related disorder. Also called: ANK2-related condition.
Cardiac arrhythmia, ankyrin-B-related. Also called: ANKYRIN-B SYNDROME. Identifiers: Orphanet 101016, Orphanet 768, MedGen C1970119, MONDO:0010958, OMIM 600919.
Long QT syndrome (LQTS). Identifiers: MedGen C0023976, MeSH D008133, MONDO:0002442. Disease mechanism: loss of function. Inheritance: Various modes of inheritance.

Allele frequency attached by ClinVar (database versions not stated): gnomAD exomes 0.00001 and 0.00004; ExAC 0.00005; gnomAD 0.00005 and 0.00006; ESP Exome Variant Server 0.00008; TOPMed 0.00009.
gnomAD v4.1: 89 of 1,614,050 alleles (0.0055%); highest among the groups gnomAD compares: East Asian, 0.033%; 4 homozygotes.

Submissions (10):

Labcorp Genetics (formerly Invitae), Labcorp
Classification: Uncertain significance for Long QT syndrome. Last evaluated: 2025-12-28. Review status: criteria provided, single submitter. Criteria: Invitae Variant Classification Sherloc (09022015). Collection method: clinical testing. Allele origin: germline.
Comment: This sequence change replaces glutamine, which is neutral and polar, with arginine, which is basic and polar, at codon 3785 of the ANK2 protein (p.Gln3785Arg). The frequency data for this variant in the population databases is considered unreliable, as metrics indicate poor data quality at this position in the gnomAD database. This missense change has been observed in individual(s) with a normal QTc interval (PMID: 26159999). ClinVar contains an entry for this variant (Variation ID: 190580). An algorithm developed to predict the effect of missense changes on protein structure and function outputs the following: PolyPhen-2: "Benign". The arginine amino acid residue is found in multiple mammalian species, which suggests that this missense change does not adversely affect protein function. In summary, the available evidence is currently insufficient to determine the role of this variant in disease. Therefore, it has been classified as a Variant of Uncertain Significance.

CeGaT Center for Human Genetics Tuebingen
Classification: Likely benign. Last evaluated: 2025-10-01. Review status: criteria provided, single submitter. Criteria: CeGaT Center For Human Genetics Tuebingen Variant Classification Criteria Version 2. Collection method: clinical testing. Allele origin: germline. Affected: yes. Observed: 2 variant alleles.
Comment: ANK2: BS1

Women's Health and Genetics/Laboratory Corporation of America, LabCorp
Classification: Uncertain significance. Last evaluated: 2025-05-08. Review status: criteria provided, single submitter. Criteria: LabCorp Variant Classification Summary - May 2015. Collection method: clinical testing. Allele origin: germline.
Comment: Variant summary: ANK2 c.11354A>G (p.Gln3785Arg) results in a conservative amino acid change in the encoded protein sequence. Algorithms developed to predict the effect of missense changes on protein structure and function all suggest that this variant is likely to be tolerated. The variant allele was found at a frequency of 3.6e-05 in 251000 control chromosomes. The available data on variant occurrences in the general population are insufficient to allow any conclusion about variant significance. c.11354A>G has been observed in at least one individual with a QTc interval value of 464ms (e.g. Ghouse_2015) These report(s) do not provide unequivocal conclusions about association of the variant with Long QT Syndrome. To our knowledge, no experimental evidence demonstrating an impact on protein function has been reported. The following publication has been ascertained in the context of this evaluation (PMID: 26159999). ClinVar contains an entry for this variant (Variation ID: 190580). Based on the evidence outlined above, the variant was classified as uncertain significance.

Blueprint Genetics
Classification: Likely benign. Last evaluated: 2024-10-15. Review status: criteria provided, single submitter. Criteria: ACMG Guidelines, 2015. Collection method: clinical testing. Allele origin: germline.

PreventionGenetics, part of Exact Sciences
Classification: Uncertain significance for ANK2-related condition. Last evaluated: 2022-09-01. Review status: criteria provided, single submitter. Criteria: ACMG Guidelines, 2015. Collection method: clinical testing. Allele origin: germline.
Comment: The ANK2 c.11354A>G variant is predicted to result in the amino acid substitution p.Gln3785Arg. This variant has been reported in an individual with an apparently normal QTc interval (Table S3, Ghouse et al. 2015. PubMed ID: 26159999). This variant is reported in 0.030% of alleles in individuals of East Asian descent in gnomAD. At this time, the clinical significance of this variant is uncertain due to the absence of conclusive functional and genetic evidence.

GeneDx
Classification: Likely benign. Last evaluated: 2022-02-28. Review status: criteria provided, single submitter. Criteria: GeneDx Variant Classification Process June 2021. Collection method: clinical testing. Allele origin: germline. Affected: yes.
Comment: See Variant Classification Assertion Criteria.

Ambry Genetics
Classification: Likely benign for Cardiovascular phenotype. Last evaluated: 2021-11-24. Review status: criteria provided, single submitter. Criteria: Ambry Variant Classification Scheme 2023. Collection method: clinical testing. Allele origin: germline.

Clinical Genomics Laboratory, Stanford Medicine
Classification: Uncertain significance for Cardiac arrhythmia, ankyrin-B-related. Last evaluated: 2021-05-07. Review status: criteria provided, single submitter. Criteria: ACMG Guidelines, 2015. Collection method: clinical testing. Allele origin: germline. Affected: yes. Observed: 1 heterozygote.
Comment: The p.Gln3785Arg variant in the ANK2 gene has been previously reported in 1 individual with a QTc interval of 464ms (Ghouse et al., 2015). This variant has also been identified in 6/19,922 East Asian chromosomes by the Genome Aggregation Database. Computational tools predict that the p.Gln3785Arg variant does not impact protein function; however, the accuracy of in silico algorithms is limited. These data were assessed using the ACMG/AMP variant interpretation guidelines. In summary, the significance of the p.Gln3785Arg variant is uncertain. Additional information is needed to resolve the significance of this variant. [ACMG evidence codes used: none]

Illumina Laboratory Services, Illumina
Classification: Uncertain significance for Cardiac arrhythmia, ankyrin-B-related. Last evaluated: 2018-01-12. Review status: criteria provided, single submitter. Criteria: ICSL Variant Classification Criteria 13 December 2019. Collection method: clinical testing. Allele origin: germline.

Stanford Center for Inherited Cardiovascular Disease, Stanford University
Classification: Uncertain significance. Last evaluated: 2017-08-15. Review status: criteria provided, single submitter. Criteria: ACMG Guidelines, 2015. Collection method: provider interpretation. Allele origin: germline.

Literature cited by the submitters: PubMed 26159999 (cited by 3 submitters).

NM_001148.6(ANK2):c.11354A>G (p.Gln3785Arg)

Gene: ANK2 (ankyrin 2; plus strand). Cytogenetic location: 4q26.
Variant type: single nucleotide variant.
Coding change: c.11354A>G on transcript NM_001148.6 (MANE Select); coding-DNA position 11354, A replaced by G.
Protein change: p.Gln3785Arg; replaces glutamine 3785 with arginine.
Molecular consequence: missense variant.
Genome position (GRCh38, 1-based): chr4:113,369,549, A>G. VCF-style: chr4-113369549-A-G. GRCh37 (hg19) VCF-style: chr4-114290705-A-G.
Other names: p.Q3785R:CAG>CGG; p.Gln3785Arg; c.5072A>G, p.Gln1691Arg (NM_001127493.3); c.5111A>G, p.Gln1704Arg (NM_001354225.2); c.5000A>G, p.Gln1667Arg (NM_001354228.2, NM_001354258.2); c.5078A>G, p.Gln1693Arg (NM_001354230.2); c.5141A>G, p.Gln1714Arg (NM_001354231.2, NM_001354242.2); c.5135A>G, p.Gln1712Arg (NM_001354232.2); and 37 more; short protein forms Q1691R, Q3785R, Q1638R, Q1653R, Q1678R, Q1690R, Q1693R, Q1700R.
Identifiers: ClinVar variation 190580 (VCV000190580.46), dbSNP rs150808807, ClinGen allele CA300953.